The following is an entry in ClinVar:

NM_172107.4(KCNQ2):c.620G>C (p.Arg207Pro)

Gene: KCNQ2 (potassium voltage-gated channel subfamily Q member 2; minus strand). Cytogenetic location: 20q13.33.
Variant type: single nucleotide variant.
Coding change: c.620G>C on transcript NM_172107.4 (MANE Select); coding-DNA position 620, G replaced by C.
Protein change: p.Arg207Pro; replaces arginine 207 with proline.
Molecular consequence: missense variant.
Genome position (GRCh38, 1-based): chr20:63,444,729, C>G on the plus strand (G>C on the coding strand, the complement: KCNQ2 is on the minus strand). VCF-style: chr20-63444729-C-G. GRCh37 (hg19) VCF-style: chr20-62076082-C-G.
Other names: c.620G>C, p.Arg207Pro (NM_001382235.1, NM_001439003.1, NM_001439004.1 and 4 more transcripts); short protein forms R207P.
Identifiers: ClinVar variation 4855328 (VCV004855328.1).

ClinVar aggregate classification (germline): Likely pathogenic (1 of 4 stars; one submission).

Conditions:
Developmental and epileptic encephalopathy, 7 (DEE7). Also called: KCNQ2-Related Neonatal-Onset Developmental and Epileptic Encephalopathy (NEO-DEE); Early infantile epileptic encephalopathy 7; KCNQ2-Related Neonatal Epileptic Encephalopathy. Identifiers: Orphanet 439218, MedGen C3150986, MONDO:0013387, OMIM 613720.

Submission:

3billion
Classification: Likely pathogenic for Developmental and epileptic encephalopathy, 7. Last evaluated: 2025-11-04. Review status: criteria provided, single submitter. Criteria: ACMG Guidelines, 2015. Collection method: clinical testing. Allele origin: germline. Affected: yes.
Comment: The variant is not observed in the gnomAD v4.1.0 dataset. Predicted Consequence/Location: The variant is located in a mutational hot spot and/or well-established functional domain in which established pathogenic variants have been reported. In silico tool predictions suggest damaging effect of the variant on gene or gene product [REVEL: 0.98 (>=0.6, sensitivity 0.68 and specificity 0.92); 3Cnet: 0.99 (> 0.75, sensitivity 0.96 and precision 0.92)]. Different missense changes at the same codon (p.Arg207Gln, p.Arg207Trp) have been reported as pathogenic/likely pathogenic with strong evidence (ClinVar ID: VCV000007386, VCV000007391 /PMID: 11572947, 17872363 /3billion dataset). Therefore, this variant is classified as Likely pathogenic according to the recommendation of ACMG/AMP guideline.

Literature cited by the submitters: PubMed 11572947.